The following is an entry in ClinVar:

ClinVar aggregate classification (germline): Uncertain significance. Review status: criteria provided, multiple submitters, no conflicts (2 of 4 stars). 2 submissions from 2 submitters: Uncertain significance (2). Last evaluated 2025-08-12.

Conditions:
Landau-Kleffner syndrome (FESD). Also called: EPILEPSY, FOCAL, WITH SPEECH DISORDER AND WITH OR WITHOUT MENTAL RETARDATION; APHASIA, ACQUIRED, WITH EPILEPSY. Identifiers: Orphanet 1945, Orphanet 725, Orphanet 98818, MedGen C0282512, MONDO:0009509, OMIM 245570.

Submissions (2):

GeneDx
Classification: Uncertain significance. Last evaluated: 2025-08-12. Review status: criteria provided, single submitter. Criteria: GeneDx Variant Classification Process June 2021. Collection method: clinical testing. Allele origin: germline. Affected: yes.
Comment: Not observed at significant frequency in large population cohorts (gnomAD); In silico analysis suggests that this missense variant does not alter protein structure/function; Has not been previously published as pathogenic or benign to our knowledge

Labcorp Genetics (formerly Invitae), Labcorp
Classification: Uncertain significance for Landau-Kleffner syndrome. Last evaluated: 2022-08-30. Review status: criteria provided, single submitter. Criteria: Invitae Variant Classification Sherloc (09022015). Collection method: clinical testing. Allele origin: germline.
Comment: In summary, the available evidence is currently insufficient to determine the role of this variant in disease. Therefore, it has been classified as a Variant of Uncertain Significance. Advanced modeling of protein sequence and biophysical properties (such as structural, functional, and spatial information, amino acid conservation, physicochemical variation, residue mobility, and thermodynamic stability) performed at Invitae indicates that this missense variant is not expected to disrupt GRIN2A protein function. This variant has not been reported in the literature in individuals affected with GRIN2A-related conditions. This variant is not present in population databases (gnomAD no frequency). This sequence change replaces proline, which is neutral and non-polar, with leucine, which is neutral and non-polar, at codon 1222 of the GRIN2A protein (p.Pro1222Leu).

NM_001134407.3(GRIN2A):c.3665C>T (p.Pro1222Leu)

Gene: GRIN2A (glutamate ionotropic receptor NMDA type subunit 2A; minus strand). Cytogenetic location: 16p13.2.
Variant type: single nucleotide variant.
Coding change: c.3665C>T on transcript NM_001134407.3 (MANE Select); coding-DNA position 3665, C replaced by T.
Protein change: p.Pro1222Leu; replaces proline 1222 with leucine.
Molecular consequence: missense variant.
Genome position (GRCh38, 1-based): chr16:9,763,879, G>A on the plus strand (C>T on the coding strand, the complement: GRIN2A is on the minus strand). VCF-style: chr16-9763879-G-A. GRCh37 (hg19) VCF-style: chr16-9857736-G-A.
Other names: c.3665C>T (NM_000833.3); c.3665C>T, p.Pro1222Leu (NM_000833.5, NM_001134408.2); short protein forms P1222L.
Identifiers: ClinVar variation 1718379 (VCV001718379.6), dbSNP rs759574912, ClinGen allele CA394707127.